The following is an entry in ClinVar:

ClinVar aggregate classification (germline): Uncertain significance (1 of 4 stars; one submission).

Conditions:
Hereditary cancer-predisposing syndrome. Also called: Tumor predisposition; Hereditary neoplastic syndrome; Hereditary Cancer Syndrome; Neoplastic Syndromes, Hereditary. Identifiers: Orphanet 140162, MedGen C0027672, MeSH D009386, MONDO:0015356.

Submission:

Ambry Genetics
Classification: Uncertain significance for Hereditary cancer-predisposing syndrome. Last evaluated: 2023-09-29. Review status: criteria provided, single submitter. Criteria: Ambry Variant Classification Scheme 2023. Collection method: clinical testing. Allele origin: germline.
Comment: The p.T1756A variant (also known as c.5266A>G), located in coding exon 34 of the ATM gene, results from an A to G substitution at nucleotide position 5266. The threonine at codon 1756 is replaced by alanine, an amino acid with similar properties. This amino acid position is not well conserved in available vertebrate species. In addition, this alteration is predicted to be tolerated by in silico analysis. Since supporting evidence is limited at this time, the clinical significance of this alteration remains unclear.

NM_000051.4(ATM):c.5266A>G (p.Thr1756Ala)

Gene: ATM (ATM serine/threonine kinase; plus strand). Cytogenetic location: 11q22.3.
Variant type: single nucleotide variant.
Coding change: c.5266A>G on transcript NM_000051.4 (MANE Select); coding-DNA position 5266, A replaced by G.
Protein change: p.Thr1756Ala; replaces threonine 1756 with alanine.
Molecular consequence: missense variant.
Genome position (GRCh38, 1-based): chr11:108,301,736, A>G. VCF-style: chr11-108301736-A-G. GRCh37 (hg19) VCF-style: chr11-108172463-A-G.
Other names: c.5266A>G, p.Thr1756Ala (NM_001351834.2); short protein forms T1756A.
Identifiers: ClinVar variation 3221750 (VCV003221750.1), dbSNP rs2083442842, ClinGen allele CA382542567.